The following is an entry in ClinVar:

NM_002439.5(MSH3):c.617_618delinsAT (p.Ser206Tyr)

Gene: MSH3 (mutS homolog 3; plus strand). Cytogenetic location: 5q14.1.
Variant type: Indel.
Coding change: c.617_618delinsAT on transcript NM_002439.5 (MANE Select); coding-DNA positions 617 to 618, CA replaced by AT.
Protein change: p.Ser206Tyr; replaces serine 206 with tyrosine.
Molecular consequence: missense variant.
Genome position (GRCh38, 1-based): chr5:80,670,134-80,670,135, CA replaced by AT. VCF-style: chr5-80670134-CA-AT. GRCh37 (hg19) VCF-style: chr5-79965953-CA-AT.
Other names: short protein forms S206Y.
Identifiers: ClinVar variation 4654890 (VCV004654890.1).

ClinVar aggregate classification (germline): Uncertain significance (1 of 4 stars; one submission).

Conditions:
Hereditary cancer-predisposing syndrome. Also called: Neoplastic Syndromes, Hereditary; Tumor predisposition; Hereditary Cancer Syndrome; Hereditary neoplastic syndrome. Identifiers: Orphanet 140162, MedGen C0027672, MeSH D009386, MONDO:0015356.

Submission:

Ambry Genetics
Classification: Uncertain significance for Hereditary cancer-predisposing syndrome. Last evaluated: 2025-11-20. Review status: criteria provided, single submitter. Criteria: Ambry Variant Classification Scheme 2023. Collection method: clinical testing. Allele origin: germline.
Comment: The c.617_618delCAinsAT variant (also known as p.S206Y), located in coding exon 4 of the MSH3 gene, results from an in-frame deletion of CA and insertion of AT at nucleotide positions 617 to 618. This results in the substitution of the serine residue for a tyrosine residue at codon 206, an amino acid with dissimilar properties. This amino acid position is not well conserved in available vertebrate species. In addition, the in silico prediction for this variant is inconclusive (Choi Y et al. PLoS ONE. 2012; 7(10):e46688). Based on the available evidence, the clinical significance of this variant remains unclear.